The following is an entry in ClinVar:

NM_006736.6(DNAJB2):c.394C>T (p.Arg132Ter)

Gene: DNAJB2 (DnaJ heat shock protein family (Hsp40) member B2; plus strand). Cytogenetic location: 2q35.
Variant type: single nucleotide variant.
Coding change: c.394C>T on transcript NM_006736.6 (MANE Select); coding-DNA position 394, C replaced by T.
Protein change: p.Arg132Ter; replaces arginine 132 with a stop codon.
Molecular consequence: nonsense.
Genome position (GRCh38, 1-based): chr2:219,282,878, C>T. VCF-style: chr2-219282878-C-T. GRCh37 (hg19) VCF-style: chr2-220147600-C-T.
Other names: c.394C>T, p.Arg132Ter (NM_001039550.2); short protein forms R132*.
Identifiers: ClinVar variation 864789 (VCV000864789.8), dbSNP rs1182614290, ClinGen allele CA350649674.

ClinVar aggregate classification (germline): Pathogenic (1 of 4 stars; one submission).

Conditions:
Neuronopathy, distal hereditary motor, autosomal recessive 5. Also called: NEUROPATHY, DISTAL HEREDITARY MOTOR, AUTOSOMAL RECESSIVE 5; Spinal muscular atrophy, distal, autosomal recessive, 5; Young adult-onset distal hereditary motor neuropathy. Identifiers: Orphanet 314485, Orphanet 443950, MedGen C4749918, MONDO:0013947, OMIM 614881.

Allele frequency attached by ClinVar (database versions not stated): gnomAD exomes 0.00001; gnomAD 0.00001.
gnomAD v4.1: 8 of 1,606,844 alleles (0.0005%); highest among the groups gnomAD compares: East Asian, 0.0022%; no homozygotes.

Submission:

Labcorp Genetics (formerly Invitae), Labcorp
Classification: Pathogenic for Neuronopathy, distal hereditary motor, autosomal recessive 5. Last evaluated: 2024-02-23. Review status: criteria provided, single submitter. Criteria: Invitae Variant Classification Sherloc (09022015). Collection method: clinical testing. Allele origin: germline.
Comment: This sequence change creates a premature translational stop signal (p.Arg132*) in the DNAJB2 gene. It is expected to result in an absent or disrupted protein product. Loss-of-function variants in DNAJB2 are known to be pathogenic (PMID: 22522442, 25274842). The frequency data for this variant in the population databases is considered unreliable, as metrics indicate poor data quality at this position in the gnomAD database. This variant has not been reported in the literature in individuals affected with DNAJB2-related conditions. ClinVar contains an entry for this variant (Variation ID: 864789). For these reasons, this variant has been classified as Pathogenic.

Literature cited by the submitters: PubMed 22522442; PubMed 25274842.